The following is an entry in ClinVar:

NM_003922.4(HERC1):c.5363C>G (p.Thr1788Arg)

Gene: HERC1 (HECT and RLD domain containing E3 ubiquitin protein ligase family member 1; minus strand). Cytogenetic location: 15q22.31.
Variant type: single nucleotide variant.
Coding change: c.5363C>G on transcript NM_003922.4 (MANE Select); coding-DNA position 5363, C replaced by G.
Protein change: p.Thr1788Arg; replaces threonine 1788 with arginine.
Molecular consequence: missense variant.
Genome position (GRCh38, 1-based): chr15:63,694,429, G>C on the plus strand (C>G on the coding strand, the complement: HERC1 is on the minus strand). VCF-style: chr15-63694429-G-C. GRCh37 (hg19) VCF-style: chr15-63986628-G-C.
Other names: short protein forms T1788R.
Identifiers: ClinVar variation 2324990 (VCV002324990.4), dbSNP rs1365521516, ClinGen allele CA392747518.

ClinVar aggregate classification (germline): Uncertain significance. Review status: criteria provided, multiple submitters, no conflicts (2 of 4 stars). 2 submissions from 2 submitters: Uncertain significance (2). Last evaluated 2026-01-20.

Conditions:
Inborn genetic diseases. Identifiers: MedGen C0950123, MeSH D030342.

Allele frequency attached by ClinVar (database versions not stated): gnomAD 0.00001; TOPMed 0.00001.
gnomAD v4.1: 4 of 1,613,844 alleles (0.00025%); highest among the groups gnomAD compares: Non-Finnish European, 0.00034%; no homozygotes.

Submissions (2):

Women's Health and Genetics/Laboratory Corporation of America, LabCorp
Classification: Uncertain significance. Last evaluated: 2026-01-20. Review status: criteria provided, single submitter. Criteria: LabCorp Variant Classification Summary - May 2015. Collection method: clinical testing. Allele origin: germline.
Comment: Variant summary: HERC1 c.5363C>G (p.Thr1788Arg) results in a non-conservative amino acid change in the encoded protein sequence. Algorithms developed to predict the effect of missense changes on protein structure and function are either unavailable or do not agree on the potential impact of this missense change. The variant was absent in 248706 control chromosomes. The available data on variant occurrences in the general population are insufficient to allow any conclusion about variant significance. To our knowledge, no occurrence of c.5363C>G in individuals affected with HERC1-related conditions and no experimental evidence demonstrating its impact on protein function have been reported. ClinVar contains an entry for this variant (Variation ID: 2324990). Based on the evidence outlined above, the variant was classified as uncertain significance.

Ambry Genetics
Classification: Uncertain significance for Inborn genetic diseases. Last evaluated: 2025-12-22. Review status: criteria provided, single submitter. Criteria: Ambry Variant Classification Scheme 2023. Collection method: clinical testing. Allele origin: germline.